The following is an entry in ClinVar:

ClinVar aggregate classification (germline): Uncertain significance (1 of 4 stars; one submission).

Conditions:
Cornelia de Lange syndrome 1 (CDLS1). Also called: TYPUS DEGENERATIVUS AMSTELODAMENSIS; Brachmann de Lange syndrome; NIPBL-Related Cornelia de Lange Syndrome. Identifiers: Orphanet 199, MedGen C4551851, MONDO:0007387, OMIM 122470.

gnomAD v4.1: 1 of 1,613,862 alleles (0.000062%); highest among the groups gnomAD compares: Non-Finnish European, 0.000085%; no homozygotes.

Submission:

Labcorp Genetics (formerly Invitae), Labcorp
Classification: Uncertain significance for Cornelia de Lange syndrome 1. Last evaluated: 2025-05-13. Review status: criteria provided, single submitter. Criteria: Invitae Variant Classification Sherloc (09022015). Collection method: clinical testing. Allele origin: germline.
Comment: This sequence change replaces aspartic acid, which is acidic and polar, with alanine, which is neutral and non-polar, at codon 409 of the NIPBL protein (p.Asp409Ala). This variant is present in population databases (no rsID available, gnomAD 0.0009%). This variant has not been reported in the literature in individuals affected with NIPBL-related conditions. Invitae Evidence Modeling of protein sequence and biophysical properties (such as structural, functional, and spatial information, amino acid conservation, physicochemical variation, residue mobility, and thermodynamic stability) has been performed for this missense variant. However, the output from this modeling did not meet the statistical confidence thresholds required to predict the impact of this variant on NIPBL protein function. In summary, the available evidence is currently insufficient to determine the role of this variant in disease. Therefore, it has been classified as a Variant of Uncertain Significance.

NM_133433.4(NIPBL):c.1226A>C (p.Asp409Ala)

Gene: NIPBL (NIPBL cohesin loading factor; plus strand). Cytogenetic location: 5p13.2.
Variant type: single nucleotide variant.
Coding change: c.1226A>C on transcript NM_133433.4 (MANE Select); coding-DNA position 1226, A replaced by C.
Protein change: p.Asp409Ala; replaces aspartic acid 409 with alanine.
Molecular consequence: missense variant.
Genome position (GRCh38, 1-based): chr5:36,976,133, A>C. VCF-style: chr5-36976133-A-C. GRCh37 (hg19) VCF-style: chr5-36976235-A-C.
Other names: c.1226A>C, p.Asp409Ala (NM_001438586.1, NM_015384.5); short protein forms D409A.
Identifiers: ClinVar variation 4802719 (VCV004802719.1).
Genomic context (GRCh38, chr5:36,976,133, plus strand): 5'-ATATTCCTTTTAATGTGCAGTACCCAGGACAGACTTCAAAAACACCCATTACTCCACAAG[A>C]TATAAACCGCCCACTAAATGCTGCTCAATGTTTGTCGCAGCAAGAACAAACAGCATTCCT-3'
Protein context (NP_597677.2, residues 399-419): QTSKTPITPQ[Asp409Ala]INRPLNAAQC